The following is an entry in ClinVar:

NM_181882.3(PRX):c.3952del (p.Glu1318fs)

Gene: PRX (periaxin; minus strand). Cytogenetic location: 19q13.2.
Variant type: Deletion.
Coding change: c.3952del on transcript NM_181882.3 (MANE Select); coding-DNA position 3952, one base deleted (G; older notation c.3952delG).
Protein change: p.Glu1318fs; shifts the reading frame from glutamic acid 1318.
Molecular consequence: frameshift variant. On other transcripts: 3 prime UTR variant (1).
Genome position (GRCh38, 1-based): chr19:40,394,400, C deleted on the plus strand (G on the coding strand, the reverse complement: PRX is on the minus strand); the first of 2 consecutive C bases (chr19:40,394,400-40,394,401); deleting either gives the same sequence. VCF-style (leftmost placement, unchanged base first): chr19-40394399-TC-T. GRCh37 (hg19) VCF-style: chr19-40900306-TC-T.
Other names: c.4236delG, p.Glu1413Argfs (NM_001411127.1); c.*4157del (NM_020956.2); c.3952delG (NM_181882.2); short protein forms E1318fs.
Identifiers: ClinVar variation 1736450 (VCV001736450.2), dbSNP rs2514797972, ClinGen allele CA2580097259.

ClinVar aggregate classification (germline): Uncertain significance (1 of 4 stars; one submission).

Conditions:
Inborn genetic diseases. Identifiers: MedGen C0950123, MeSH D030342.

Submission:

Ambry Genetics
Classification: Uncertain significance for Inborn genetic diseases. Last evaluated: 2022-05-12. Review status: criteria provided, single submitter. Criteria: Ambry Variant Classification Scheme 2023. Collection method: clinical testing. Allele origin: germline.
Comment: The c.3952delG variant, located in coding exon 4 of the PRX gene, results from a deletion of one nucleotide at nucleotide position 3952, causing a translational frameshift with a predicted alternate stop codon (p.E1318Rfs*64). This alteration occurs at the 3' terminus of the PRX gene, is not expected to trigger nonsense-mediated mRNAdecay, and only impacts the last 9.9% of the protein. The exact functional effect of this alteration is unknown. Since supporting evidence is limited at this time, the clinical significance of this alteration remains unclear.